The following is an entry in ClinVar:

ClinVar aggregate classification (germline): Uncertain significance (1 of 4 stars; one submission).

Conditions:
Epileptic encephalopathy. Identifiers: MedGen C0543888, HP:0200134.

Allele frequency attached by ClinVar (database versions not stated): TOPMed below 0.00001; ExAC 0.00001; gnomAD 0.00001; gnomAD exomes 0.00001; 1000 Genomes Project 30x 0.00016; 1000 Genomes Project 0.00020.
gnomAD v4.1: 9 of 1,612,628 alleles (0.00056%); highest among the groups gnomAD compares: East Asian, 0.0022%; no homozygotes.

Submission:

Labcorp Genetics (formerly Invitae), Labcorp
Classification: Uncertain significance for Epileptic encephalopathy. Last evaluated: 2021-03-15. Review status: criteria provided, single submitter. Criteria: Invitae Variant Classification Sherloc (09022015). Collection method: clinical testing. Allele origin: germline.
Comment: In summary, the available evidence is currently insufficient to determine the role of this variant in disease. Therefore, it has been classified as a Variant of Uncertain Significance. Algorithms developed to predict the effect of missense changes on protein structure and function output the following: SIFT: "Tolerated"; PolyPhen-2: "Benign"; Align-GVGD: "Class C0". The leucine amino acid residue is found in multiple mammalian species, suggesting that this missense change does not adversely affect protein function. These predictions have not been confirmed by published functional studies and their clinical significance is uncertain. This variant has not been reported in the literature in individuals with FASN-related conditions. This variant is present in population databases (rs202024339, ExAC 0.002%). This sequence change replaces proline with leucine at codon 972 of the FASN protein (p.Pro972Leu). The proline residue is weakly conserved and there is a moderate physicochemical difference between proline and leucine.

NM_004104.5(FASN):c.2915C>T (p.Pro972Leu)

Gene: FASN (fatty acid synthase; minus strand). Cytogenetic location: 17q25.3.
Variant type: single nucleotide variant.
Coding change: c.2915C>T on transcript NM_004104.5 (MANE Select); coding-DNA position 2915, C replaced by T.
Protein change: p.Pro972Leu; replaces proline 972 with leucine.
Molecular consequence: missense variant.
Genome position (GRCh38, 1-based): chr17:82,087,813, G>A on the plus strand (C>T on the coding strand, the complement: FASN is on the minus strand). VCF-style: chr17-82087813-G-A. GRCh37 (hg19) VCF-style: chr17-80045689-G-A.
Other names: short protein forms P972L.
Identifiers: ClinVar variation 949444 (VCV000949444.10), dbSNP rs202024339, ClinGen allele CA8852582.